The following is an entry in ClinVar:

ClinVar aggregate classification (germline): Uncertain significance (1 of 4 stars; one submission).

Submission:

Labcorp Genetics (formerly Invitae), Labcorp
Classification: Uncertain significance. Last evaluated: 2021-09-20. Review status: criteria provided, single submitter. Criteria: Invitae Variant Classification Sherloc (09022015). Collection method: clinical testing. Allele origin: germline.
Comment: This sequence change replaces alanine with glycine at codon 995 of the REST protein (p.Ala995Gly). The alanine residue is weakly conserved and there is a small physicochemical difference between alanine and glycine. This variant is not present in population databases (ExAC no frequency). This variant has not been reported in the literature in individuals affected with REST-related conditions. Algorithms developed to predict the effect of missense changes on protein structure and function are either unavailable or do not agree on the potential impact of this missense change (SIFT: "Deleterious"; PolyPhen-2: "Benign"; Align-GVGD: "Class C0"). Algorithms developed to predict the effect of sequence changes on RNA splicing suggest that this variant may create or strengthen a splice site. In summary, the available evidence is currently insufficient to determine the role of this variant in disease. Therefore, it has been classified as a Variant of Uncertain Significance.

NM_005612.5(REST):c.2984C>G (p.Ala995Gly)

Gene: REST (RE1 silencing transcription factor; plus strand). Cytogenetic location: 4q12.
Variant type: single nucleotide variant.
Coding change: c.2984C>G on transcript NM_005612.5 (MANE Select); coding-DNA position 2984, C replaced by G.
Protein change: p.Ala995Gly; replaces alanine 995 with glycine.
Molecular consequence: missense variant.
Genome position (GRCh38, 1-based): chr4:56,931,842, C>G. VCF-style: chr4-56931842-C-G. GRCh37 (hg19) VCF-style: chr4-57798008-C-G.
Other names: c.2984C>G, p.Ala995Gly (NM_001193508.2, NM_001363453.3); short protein forms A995G.
Identifiers: ClinVar variation 1461976 (VCV001461976.6), dbSNP rs2109579258, ClinGen allele CA357009947.